The following is an entry in ClinVar:

NM_006734.4(HIVEP2):c.7262A>G (p.Asp2421Gly)

Gene: HIVEP2 (HIVEP zinc finger 2; minus strand). Cytogenetic location: 6q24.2.
Variant type: single nucleotide variant.
Coding change: c.7262A>G on transcript NM_006734.4 (MANE Select); coding-DNA position 7262, A replaced by G.
Protein change: p.Asp2421Gly; replaces aspartic acid 2421 with glycine.
Molecular consequence: missense variant.
Genome position (GRCh38, 1-based): chr6:142,753,186, T>C on the plus strand (A>G on the coding strand, the complement: HIVEP2 is on the minus strand). VCF-style: chr6-142753186-T-C. GRCh37 (hg19) VCF-style: chr6-143074323-T-C.
Other names: short protein forms D2421G.
Identifiers: ClinVar variation 2662420 (VCV002662420.1), dbSNP rs2482728452, ClinGen allele CA365940703.

ClinVar aggregate classification (germline): Uncertain significance (1 of 4 stars; one submission).

Submission:

GeneDx
Classification: Uncertain significance. Last evaluated: 2023-04-06. Review status: criteria provided, single submitter. Criteria: GeneDx Variant Classification Process June 2021. Collection method: clinical testing. Allele origin: germline. Affected: yes.
Comment: Not observed at significant frequency in large population cohorts (gnomAD); In silico analysis supports that this missense variant does not alter protein structure/function; Has not been previously published as pathogenic or benign to our knowledge